The following is an entry in ClinVar:

NM_152383.5(DIS3L2):c.263C>T (p.Pro88Leu)

Gene: DIS3L2 (DIS3 like 3'-5' exoribonuclease 2; plus strand). Cytogenetic location: 2q37.1.
Variant type: single nucleotide variant.
Coding change: c.263C>T on transcript NM_152383.5 (MANE Select); coding-DNA position 263, C replaced by T.
Protein change: p.Pro88Leu; replaces proline 88 with leucine.
Molecular consequence: missense variant. On other transcripts: non-coding transcript variant (2).
Genome position (GRCh38, 1-based): chr2:232,024,329, C>T. VCF-style: chr2-232024329-C-T. GRCh37 (hg19) VCF-style: chr2-232889039-C-T.
Other names: c.263C>T, p.Pro88Leu (NM_001257281.2, NM_001257282.2); short protein forms P88L.
Identifiers: ClinVar variation 334929 (VCV000334929.43), dbSNP rs202059499, ClinGen allele CA2163758.

ClinVar aggregate classification (germline): Conflicting classifications of pathogenicity. Review status: criteria provided, conflicting classifications (1 of 4 stars). 6 submissions from 6 submitters: Uncertain significance (1); Benign (2); Likely benign (2). 1 of the submissions does not count toward it. Last evaluated 2026-01-24.

Conditions:
DIS3L2-related disorder. Also called: DIS3L2-related condition.
Perlman syndrome (PRLMNS). Identifiers: Orphanet 2849, MedGen C0796113, MONDO:0009965, OMIM 267000.

Allele frequency attached by ClinVar (database versions not stated): gnomAD 0.00073 and 0.00076; TOPMed 0.00076; gnomAD exomes 0.00081; ExAC 0.00091; 1000 Genomes Project 30x 0.00094; 1000 Genomes Project 0.00100; ESP Exome Variant Server 0.00103.
gnomAD v4.1: 1,266 of 1,597,398 alleles (0.079%); highest among the groups gnomAD compares: South Asian, 0.31%; 2 homozygotes.

Submissions (6):

Labcorp Genetics (formerly Invitae), Labcorp
Classification: Benign for Perlman syndrome. Last evaluated: 2026-01-24. Review status: criteria provided, single submitter. Criteria: Invitae Variant Classification Sherloc (09022015). Collection method: clinical testing. Allele origin: germline.

CeGaT Center for Human Genetics Tuebingen
Classification: Benign. Last evaluated: 2025-10-01. Review status: criteria provided, single submitter. Criteria: CeGaT Center For Human Genetics Tuebingen Variant Classification Criteria Version 2. Collection method: clinical testing. Allele origin: germline. Affected: yes. Observed: 2 variant alleles.
Comment: DIS3L2: BS1, BS2

Revvity Omics, Revvity
Classification: Uncertain significance for Perlman syndrome. Last evaluated: 2022-06-15. Review status: criteria provided, single submitter. Criteria: ACMG Guidelines, 2015. Collection method: clinical testing. Allele origin: germline.

Sema4
Classification: Likely benign for Perlman syndrome. Last evaluated: 2022-01-24. Review status: criteria provided, single submitter. Criteria: Sema4 Curation Guidelines. Collection method: curation. Allele origin: germline.

Illumina Laboratory Services, Illumina
Classification: Likely benign for Perlman syndrome. Last evaluated: 2018-01-13. Review status: criteria provided, single submitter. Criteria: ICSL Variant Classification Criteria 13 December 2019. Collection method: clinical testing. Allele origin: germline.
Comment: This variant was observed in the ICSL laboratory as part of a predisposition screen in an ostensibly healthy population. It had not been previously curated by ICSL or reported in the Human Gene Mutation Database (HGMD: prior to June 1st, 2018), and was therefore a candidate for classification through an automated scoring system. Utilizing variant allele frequency, disease prevalence and penetrance estimates, and inheritance mode, an automated score was calculated to assess if this variant is too frequent to cause the disease. Based on the score and internal cut-off values, a variant classified as likely benign is not then subjected to further curation. The score for this variant resulted in a classification of likely benign for this disease.

PreventionGenetics, part of Exact Sciences
Classification: Likely benign for DIS3L2-related condition. Last evaluated: 2019-10-11. Review status: no assertion criteria provided. Collection method: clinical testing. Allele origin: germline. Not counted in ClinVar's aggregate classification.
Comment: This variant is classified as likely benign based on ACMG/AMP sequence variant interpretation guidelines (Richards et al. 2015 PMID: 25741868, with internal and published modifications).

Literature cited by the submitters: PubMed 27153395 (cited by Sema4).